The following is an entry in ClinVar:

ClinVar aggregate classification (germline): Uncertain significance (1 of 4 stars; one submission).

Conditions:
Inborn genetic diseases. Identifiers: MedGen C0950123, MeSH D030342.

Allele frequency attached by ClinVar (database versions not stated): gnomAD below 0.00001 and 0.00001; gnomAD exomes below 0.00001 and 0.00001.
gnomAD v4.1: 12 of 1,613,988 alleles (0.00074%); highest among the groups gnomAD compares: Middle Eastern, 0.049%; 1 homozygote.

Submission:

Ambry Genetics
Classification: Uncertain significance for Inborn genetic diseases. Last evaluated: 2017-04-20. Review status: criteria provided, single submitter. Criteria: Ambry Variant Classification Scheme 2023. Collection method: clinical testing. Allele origin: germline.
Comment: The p.E223K variant (also known as c.667G>A), located in coding exon 6 of the CC2D1A gene, results from a G to A substitution at nucleotide position 667. The glutamic acid at codon 223 is replaced by lysine, an amino acid with similar properties. This amino acid position is well conserved in available vertebrate species. In addition, this alteration is predicted to be tolerated by in silico analysis. Since supporting evidence is limited at this time, the clinical significance of this alteration remains unclear.

NM_017721.5(CC2D1A):c.667G>A (p.Glu223Lys)

Gene: CC2D1A (coiled-coil and C2 domain containing 1A; plus strand). Cytogenetic location: 19p13.12.
Variant type: single nucleotide variant.
Coding change: c.667G>A on transcript NM_017721.5 (MANE Select); coding-DNA position 667, G replaced by A.
Protein change: p.Glu223Lys; replaces glutamic acid 223 with lysine.
Molecular consequence: missense variant.
Genome position (GRCh38, 1-based): chr19:13,913,557, G>A. VCF-style: chr19-13913557-G-A. GRCh37 (hg19) VCF-style: chr19-14024370-G-A.
Other names: short protein forms E223K.
Identifiers: ClinVar variation 589616 (VCV000589616.5), dbSNP rs1394531439, ClinGen allele CA404378649.